The following is an entry in ClinVar:

ClinVar aggregate classification (germline): Benign. Review status: criteria provided, multiple submitters, no conflicts (2 of 4 stars). 4 submissions from 4 submitters: Benign (3). 1 of the submissions does not count toward it. Last evaluated 2026-02-01.

Conditions:
PKD1L1-related disorder. Also called: PKD1L1-related condition.

Allele frequency attached by ClinVar (database versions not stated): 1000 Genomes Project 30x 0.04638; 1000 Genomes Project 0.04772; TOPMed 0.04957; ESP Exome Variant Server 0.05405; gnomAD 0.06014 and 0.06048; ExAC 0.06554; gnomAD exomes 0.06668 and 0.06798.
gnomAD v4.1: 108,146 of 1,613,518 alleles (6.7%); highest among the groups gnomAD compares: East Asian, 6.9%; 4,068 homozygotes.

Submissions (15):

Labcorp Genetics (formerly Invitae), Labcorp
Classification: Benign. Last evaluated: 2026-02-01. Review status: criteria provided, single submitter. Criteria: Invitae Variant Classification Sherloc (09022015). Collection method: clinical testing. Allele origin: germline.

GeneDx
Classification: Benign. Last evaluated: 2018-11-12. Review status: criteria provided, single submitter. Criteria: GeneDx Variant Classification Process June 2021. Collection method: clinical testing. Allele origin: germline. Affected: yes.

Breakthrough Genomics
Classification: Benign. Review status: criteria provided, single submitter. Criteria: ACMG Guidelines, 2015. Collection method: not provided. Allele origin: germline. Inheritance: Autosomal recessive inheritance. Affected: yes.

PreventionGenetics, part of Exact Sciences
Classification: Benign for PKD1L1-related condition. Last evaluated: 2019-12-12. Review status: no assertion criteria provided. Collection method: clinical testing. Allele origin: germline. Not counted in ClinVar's aggregate classification.
Comment: This variant is classified as benign based on ACMG/AMP sequence variant interpretation guidelines (Richards et al. 2015 PMID: 25741868, with internal and published modifications).

Dr. Peter K. Rogan Lab, Western University
No classification provided (evidence only). Condition: Colorectal cancer. Review status: no classification provided. Collection method: in vitro. Allele origin: not applicable. Functional consequence: retained intron. Not counted in ClinVar's aggregate classification.

Dr. Peter K. Rogan Lab, Western University
No classification provided (evidence only). Condition: Thymoma. Review status: no classification provided. Collection method: in vitro. Allele origin: not applicable. Functional consequence: retained intron. Not counted in ClinVar's aggregate classification.

Dr. Peter K. Rogan Lab, Western University
No classification provided (evidence only). Condition: Nonpapillary renal cell carcinoma. Review status: no classification provided. Collection method: in vitro. Allele origin: not applicable. Functional consequence: retained intron. Not counted in ClinVar's aggregate classification.

Dr. Peter K. Rogan Lab, Western University
No classification provided (evidence only). Condition: Nonpapillary renal cell carcinoma. Review status: no classification provided. Collection method: in vitro. Allele origin: not applicable. Functional consequence: retained intron. Not counted in ClinVar's aggregate classification.

Dr. Peter K. Rogan Lab, Western University
No classification provided (evidence only). Condition: Familial pancreatic carcinoma. Review status: no classification provided. Collection method: in vitro. Allele origin: not applicable. Functional consequence: retained intron. Not counted in ClinVar's aggregate classification.

Dr. Peter K. Rogan Lab, Western University
No classification provided (evidence only). Condition: Familial pancreatic carcinoma. Review status: no classification provided. Collection method: in vitro. Allele origin: not applicable. Functional consequence: retained intron. Not counted in ClinVar's aggregate classification.

Dr. Peter K. Rogan Lab, Western University
No classification provided (evidence only). Condition: Familial pancreatic carcinoma. Review status: no classification provided. Collection method: in vitro. Allele origin: not applicable. Functional consequence: retained intron. Not counted in ClinVar's aggregate classification.

Dr. Peter K. Rogan Lab, Western University
No classification provided (evidence only). Condition: Hepatocellular carcinoma. Review status: no classification provided. Collection method: in vitro. Allele origin: not applicable. Functional consequence: retained intron. Not counted in ClinVar's aggregate classification.

Dr. Peter K. Rogan Lab, Western University
No classification provided (evidence only). Condition: Lymphoma. Review status: no classification provided. Collection method: in vitro. Allele origin: not applicable. Functional consequence: retained intron. Not counted in ClinVar's aggregate classification.

Dr. Peter K. Rogan Lab, Western University
No classification provided (evidence only). Condition: Lymphoma. Review status: no classification provided. Collection method: in vitro. Allele origin: not applicable. Functional consequence: retained intron. Not counted in ClinVar's aggregate classification.

Dr. Peter K. Rogan Lab, Western University
No classification provided (evidence only). Condition: Ovarian cancer. Review status: no classification provided. Collection method: in vitro. Allele origin: not applicable. Functional consequence: retained intron. Not counted in ClinVar's aggregate classification.

NM_138295.5(PKD1L1):c.3663G>A (p.Pro1221=)

Gene: PKD1L1 (polycystin 1 like 1, transient receptor potential channel interacting; minus strand). Cytogenetic location: 7p12.3.
Variant type: single nucleotide variant.
Coding change: c.3663G>A on transcript NM_138295.5 (MANE Select); coding-DNA position 3663, G replaced by A.
Protein change: p.Pro1221=; no amino-acid change (proline 1221 retained).
Molecular consequence: synonymous variant.
Genome position (GRCh38, 1-based): chr7:47,877,489, C>T on the plus strand (G>A on the coding strand, the complement: PKD1L1 is on the minus strand). VCF-style: chr7-47877489-C-T. GRCh37 (hg19) VCF-style: chr7-47917087-C-T.
Identifiers: ClinVar variation 1275220 (VCV001275220.10), dbSNP rs72601626, ClinGen allele CA4253355.